The following is an entry in ClinVar:

ClinVar aggregate classification (germline): Pathogenic. Review status: criteria provided, multiple submitters, no conflicts (2 of 4 stars). 2 submissions from 2 submitters: Pathogenic (2). Last evaluated 2024-12-06.

Conditions:
Hereditary cancer-predisposing syndrome. Also called: Neoplastic Syndromes, Hereditary; Tumor predisposition; Hereditary Cancer Syndrome; Hereditary neoplastic syndrome. Identifiers: Orphanet 140162, MedGen C0027672, MeSH D009386, MONDO:0015356.

Submissions (2):

Ambry Genetics
Classification: Pathogenic for Hereditary cancer-predisposing syndrome. Last evaluated: 2024-12-06. Review status: criteria provided, single submitter. Criteria: Ambry Variant Classification Scheme 2023. Collection method: clinical testing. Allele origin: germline.
Comment: The c.4650delA pathogenic mutation, located in coding exon 13 of the BRCA1 gene, results from a deletion of one nucleotide at nucleotide position 4650, causing a translational frameshift with a predicted alternate stop codon (p.S1551Lfs*8). This alteration was identified in a cohort of Russian ovarian cancer patients (Kechin A et al. Breast Cancer Res Treat, 2023 Jan;197:387-395). This variant is considered to be rare based on population cohorts in the Genome Aggregation Database (gnomAD). This alteration is expected to result in loss of function by premature protein truncation or nonsense-mediated mRNA decay. As such, this alteration is interpreted as a disease-causing mutation.

Color Diagnostics, LLC DBA Color Health
Classification: Pathogenic for Hereditary cancer-predisposing syndrome. Last evaluated: 2021-08-23. Review status: criteria provided, single submitter. Criteria: ACMG Guidelines, 2015. Collection method: clinical testing. Allele origin: germline.
Comment: This variant deletes 1 nucleotide in exon 14 of the BRCA1 gene, creating a frameshift and premature translation stop signal. This variant is expected to result in an absent or non-functional protein product. To our knowledge, this variant has not been reported in individuals affected with hereditary cancer in the literature. This variant has not been identified in the general population by the Genome Aggregation Database (gnomAD). Loss of BRCA1 function is a known mechanism of disease. Based on the available evidence, this variant is classified as Pathogenic.

Literature cited by the submitters: PubMed 36367610 (cited by Ambry Genetics).

NM_007294.4(BRCA1):c.4650del (p.Ser1551fs)

Gene: BRCA1 (BRCA1 DNA repair associated; minus strand). Cytogenetic location: 17q21.31.
Variant type: Deletion.
Coding change: c.4650del on transcript NM_007294.4 (MANE Select); coding-DNA position 4650, one base deleted (A; older notation c.4650delA).
Protein change: p.Ser1551fs; shifts the reading frame from serine 1551.
Molecular consequence: frameshift variant. On other transcripts: intron variant (3).
Genome position (GRCh38, 1-based): chr17:43,074,356, T deleted on the plus strand (A on the coding strand, the reverse complement: BRCA1 is on the minus strand). VCF-style (leftmost placement, unchanged base first): chr17-43074355-AT-A. GRCh37 (hg19) VCF-style: chr17-41226372-AT-A.
Other names: c.4437del, p.Ser1480fs (NM_001407571.1, NM_001407894.1, NM_001407895.1 and 12 more transcripts); c.4716del, p.Ser1573fs (NM_001407581.1, NM_001407582.1); c.4713del, p.Ser1572fs (NM_001407583.1, NM_001407585.1, NM_001407587.1 and 1 more transcripts); c.4506del, p.Ser1503fs (NM_001407742.1, NM_001407743.1, NM_001407744.1 and 21 more transcripts); c.4503del, p.Ser1502fs (NM_001407838.1, NM_001407839.1, NM_001407841.1 and 12 more transcripts); c.4650del, p.Ser1551fs (NM_001407854.1, NM_001407593.1, NM_001407594.1 and 8 more transcripts); c.4647del, p.Ser1550fs (NM_001407858.1, NM_001407859.1, NM_001407860.1 and 17 more transcripts); c.4644del, p.Ser1549fs (NM_001407861.1, NM_001407627.1, NM_001407628.1 and 14 more transcripts); and 72 more; short protein forms S1255fs, S1424fs, S1461fs, S1480fs, S1502fs, S1508fs, S1532fs, S280fs.
Identifiers: ClinVar variation 2774831 (VCV002774831.3), dbSNP rs2551418406, ClinGen allele CA2695225911.